The following is an entry in ClinVar:

NM_001148.6(ANK2):c.3155C>A (p.Pro1052Gln)

Gene: ANK2 (ankyrin 2; plus strand). Cytogenetic location: 4q26.
Variant type: single nucleotide variant.
Coding change: c.3155C>A on transcript NM_001148.6 (MANE Select); coding-DNA position 3155, C replaced by A.
Protein change: p.Pro1052Gln; replaces proline 1052 with glutamine.
Molecular consequence: missense variant. On other transcripts: intron variant (42).
Genome position (GRCh38, 1-based): chr4:113,332,001, C>A. VCF-style: chr4-113332001-C-A. GRCh37 (hg19) VCF-style: chr4-114253157-C-A.
Other names: c.3128C>A, p.Pro1043Gln (NM_001127493.3); c.3167C>A, p.Pro1056Gln (NM_001354225.2); c.3197C>A, p.Pro1066Gln (NM_001354231.2, NM_001354242.2); c.3191C>A, p.Pro1064Gln (NM_001354232.2); c.3152C>A, p.Pro1051Gln (NM_001354235.2, NM_001354246.2, NM_001354265.2); c.3233C>A, p.Pro1078Gln (NM_001354237.2); c.3125C>A, p.Pro1042Gln (NM_001354239.2, NM_001354252.2); c.3200C>A, p.Pro1067Gln (NM_001354240.2, NM_001354241.2, NM_001386144.1); and 28 more; short protein forms P1030Q, P1031Q, P1035Q, P1042Q, P1043Q, P1047Q, P1051Q, P1052Q.
Identifiers: ClinVar variation 1059083 (VCV001059083.5), dbSNP rs768427721, ClinGen allele CA3050786.

ClinVar aggregate classification (germline): Uncertain significance (1 of 4 stars; one submission).

Conditions:
Long QT syndrome (LQTS). Identifiers: MedGen C0023976, MeSH D008133, MONDO:0002442. Disease mechanism: loss of function. Inheritance: Various modes of inheritance.

Allele frequency attached by ClinVar (database versions not stated): ExAC 0.00002.
gnomAD v4.1: 1 of 1,614,178 alleles (0.000062%); highest among the groups gnomAD compares: Non-Finnish European, 0.000085%; no homozygotes.

Submission:

Labcorp Genetics (formerly Invitae), Labcorp
Classification: Uncertain significance for Long QT syndrome. Last evaluated: 2020-10-06. Review status: criteria provided, single submitter. Criteria: Invitae Variant Classification Sherloc (09022015). Collection method: clinical testing. Allele origin: germline.
Comment: In summary, the available evidence is currently insufficient to determine the role of this variant in disease. Therefore, it has been classified as a Variant of Uncertain Significance. Algorithms developed to predict the effect of missense changes on protein structure and function are either unavailable or do not agree on the potential impact of this missense change (SIFT: "Deleterious"; PolyPhen-2: "Probably Damaging"; Align-GVGD: "Class C0"). This variant has not been reported in the literature in individuals with ANK2-related conditions. This variant is present in population databases (rs768427721, ExAC 0.003%). This sequence change replaces proline with glutamine at codon 1052 of the ANK2 protein (p.Pro1052Gln). The proline residue is weakly conserved and there is a moderate physicochemical difference between proline and glutamine.